The following is an entry in ClinVar:

ClinVar aggregate classification (germline): Likely benign (1 of 4 stars; one submission).

Allele frequency attached by ClinVar (database versions not stated): gnomAD exomes below 0.00001; TOPMed below 0.00001; gnomAD 0.00002.
gnomAD v4.1: 6 of 1,162,037 alleles (0.00052%); highest among the groups gnomAD compares: African/African-American, 0.0036%; no homozygotes.

Submission:

GeneDx
Classification: Likely benign. Last evaluated: 2018-04-26. Review status: criteria provided, single submitter. Criteria: GeneDx Variant Classification (06012015). Collection method: clinical testing. Allele origin: germline. Affected: yes.
Comment: This variant is considered likely benign or benign based on one or more of the following criteria: it is a conservative change, it occurs at a poorly conserved position in the protein, it is predicted to be benign by multiple in silico algorithms, and/or has population frequency not consistent with disease.

NM_001111125.3(IQSEC2):c.708-20T>C

Gene: IQSEC2 (IQ motif and Sec7 domain ArfGEF 2; minus strand). Cytogenetic location: Xp11.22.
Variant type: single nucleotide variant.
Coding change: c.708-20T>C on transcript NM_001111125.3 (MANE Select); 20 bases into the intron before coding-DNA position 708, T replaced by C.
Molecular consequence: intron variant.
Genome position (GRCh38, 1-based): chrX:53,291,944, A>G on the plus strand (T>C on the coding strand, the complement: IQSEC2 is on the minus strand). VCF-style: chrX-53291944-A-G. GRCh37 (hg19) VCF-style: chrX-53321126-A-G.
Identifiers: ClinVar variation 682402 (VCV000682402.1), dbSNP rs1397654562, ClinGen allele CA876280258.